The following is an entry in ClinVar:

ClinVar aggregate classification (germline): Pathogenic (1 of 4 stars; one submission).

Conditions:
Inherited MMR deficiency (Lynch syndrome).

Submission:

Genetics Laboratory, Great Ormond Street Hospital NHS Foundation Trust, North Thames Genomic Laboratory Hub
Classification: Pathogenic for Inherited MMR deficiency (Lynch syndrome). Last evaluated: 2026-08-18. Review status: criteria provided, single submitter. Criteria: CanVIG MMR Gene Specific V1.7. Collection method: clinical testing. Allele origin: germline. Affected: yes.
Comment: PM2_supporting, PVS1_very-strong, PP4_supporting

NM_000179.3(MSH6):c.2060del (p.Cys687fs)

Gene: MSH6 (mutS homolog 6; plus strand). Cytogenetic location: 2p16.3.
Variant type: Deletion.
Coding change: c.2060del on transcript NM_000179.3 (MANE Select); coding-DNA position 2060, one base deleted (G; older notation c.2060delG).
Protein change: p.Cys687fs; shifts the reading frame from cysteine 687.
Molecular consequence: frameshift variant. On other transcripts: non-coding transcript variant (5), intron variant (2).
Genome position (GRCh38, 1-based): chr2:47,800,043, G deleted. VCF-style (leftmost placement, unchanged base first): chr2-47800042-TG-T. GRCh37 (hg19) VCF-style: chr2-48027181-TG-T.
Other names: c.1670del, p.Cys557fs (NM_001281492.2); c.2060del, p.Cys687fs (NM_001406803.1, NM_001406808.1, NM_001406809.1 and 3 more transcripts); c.1982del, p.Cys661fs (NM_001406804.1); c.1763del, p.Cys588fs (NM_001406805.1, NM_001406818.1, NM_001406819.1 and 10 more transcripts); c.1535del, p.Cys512fs (NM_001406806.1, NM_001406807.1, NM_001406799.1); c.1154del, p.Cys385fs (NM_001406811.1, NM_001406812.1, NM_001406814.1 and 6 more transcripts); c.2066del, p.Cys689fs (NM_001406813.1); c.1892del, p.Cys631fs (NM_001406826.1); and 3 more; short protein forms C385fs, C512fs, C557fs, C588fs, C631fs, C661fs, C687fs, C689fs.
Identifiers: ClinVar variation 5021128 (VCV005021128.1).